The following is an entry in ClinVar:

NM_015631.6(TCTN3):c.850A>G (p.Lys284Glu)

Gene: TCTN3 (tectonic family member 3; minus strand). Cytogenetic location: 10q24.1.
Variant type: single nucleotide variant.
Coding change: c.850A>G on transcript NM_015631.6 (MANE Select); coding-DNA position 850, A replaced by G.
Protein change: p.Lys284Glu; replaces lysine 284 with glutamic acid.
Molecular consequence: missense variant.
Genome position (GRCh38, 1-based): chr10:95,687,046, T>C on the plus strand (A>G on the coding strand, the complement: TCTN3 is on the minus strand). VCF-style: chr10-95687046-T-C. GRCh37 (hg19) VCF-style: chr10-97446803-T-C.
Other names: c.613A>G, p.Lys205Glu (NM_001143973.2); short protein forms K205E, K284E.
Identifiers: ClinVar variation 1490307 (VCV001490307.6), dbSNP rs2139748562, ClinGen allele CA377707178.

ClinVar aggregate classification (germline): Uncertain significance (1 of 4 stars; one submission).

Conditions:
Joubert syndrome 18 (JBTS18). Identifiers: Orphanet 2754, MedGen C3553758, MONDO:0013896, OMIM 614815.
Orofacial-digital syndrome IV (OFD4). Also called: Orofaciodigital syndrome IV; BARAITSER-BURN SYNDROME; MOHR-MAJEWSKI SYNDROME; OFD SYNDROME WITH TIBIAL DEFECTS; OFD SYNDROME, BARAITSER-BURN TYPE; OFDS IV. Identifiers: Orphanet 2753, MedGen C0406727, MONDO:0009794, OMIM 258860.

Submission:

Labcorp Genetics (formerly Invitae), Labcorp
Classification: Uncertain significance for Joubert syndrome 18; Orofacial-digital syndrome IV. Last evaluated: 2022-12-06. Review status: criteria provided, single submitter. Criteria: Invitae Variant Classification Sherloc (09022015). Collection method: clinical testing. Allele origin: germline.
Comment: This variant is not present in population databases (gnomAD no frequency). ClinVar contains an entry for this variant (Variation ID: 1490307). This variant has not been reported in the literature in individuals affected with TCTN3-related conditions. This sequence change replaces lysine, which is basic and polar, with glutamic acid, which is acidic and polar, at codon 284 of the TCTN3 protein (p.Lys284Glu). In summary, the available evidence is currently insufficient to determine the role of this variant in disease. Therefore, it has been classified as a Variant of Uncertain Significance. Algorithms developed to predict the effect of missense changes on protein structure and function are either unavailable or do not agree on the potential impact of this missense change (SIFT: "Tolerated"; PolyPhen-2: "Possibly Damaging"; Align-GVGD: "Class C0").